The following is an entry in ClinVar:

ClinVar aggregate classification (germline): Pathogenic (1 of 4 stars; one submission).

Submission:

Labcorp Genetics (formerly Invitae), Labcorp
Classification: Pathogenic. Last evaluated: 2021-12-13. Review status: criteria provided, single submitter. Criteria: Invitae Variant Classification Sherloc (09022015). Collection method: clinical testing. Allele origin: germline.
Comment: This sequence change inserts a large fragment of DNA, likely a transposable element, in exon 5 of the ALPK3 gene (c.1178_1179ins?), causing a frameshift at codon 394 (p.Lys394Profs). The exact size and sequence of the insertion cannot be determined by the current assay. However, the insertion is expected to result in an absent or disrupted protein product. This variant is not present in population databases (gnomAD no frequency). For these reasons, this variant has been classified as Pathogenic. Retrotransposon insertions including LINE1 (L1), Alu, and SVA (SINE-VNTR-Alu) have been reported to be disease-causing through disruption of either a coding region or splice site (PMID: 19763152, 20307669, 22406018) and loss-of-function variants in ALPK3 are known to be pathogenic (PMID: 21441111, 26846950, 27106955, 34263907). Algorithms developed to predict the effect of sequence changes on RNA splicing suggest that this variant may create or strengthen a splice site. This variant has not been reported in the literature in individuals affected with ALPK3-related conditions.

Literature cited by the submitters: PubMed 19763152; PubMed 20307669; PubMed 22406018; PubMed 21441111; PubMed 26846950; PubMed 27106955; PubMed 34263907.

NM_020778.5(ALPK3):c.572_573insGCCGGGCGCGGTGGCTCACGCCTGTAATCCCAGCACTTTGGGAGGCCGAGGCGGGCGGATCACGAGGTCAGGNNNNNNNNNNAAAAAAAAAAAAAAAAAAAACTGCGGC (p.Lys192fs)

Gene: ALPK3 (alpha kinase 3; plus strand). Cytogenetic location: 15q25.3.
Variant type: Insertion.
Coding change: c.572_573insGCCGGGCGCGGTGGCTCACGCCTGTAATCCCAGCACTTTGGGAGGCCGAGGCGGGCGGATCACGAGGTCAGGNNNNNNNNNNAAAAAAAAAAAAAAAAAAAACTGCGGC on transcript NM_020778.5 (MANE Select); coding-DNA positions 572 to 573, GCCGGGCGCGGTGGCTCACGCCTGTAATCCCAGCACTTTGGGAGGCCGAGGCGGGCGGATCACGAGGTCAGGNNNNNNNNNNAAAAAAAAAAAAAAAAAAAACTGCGGC inserted.
Protein change: p.Lys192fs; shifts the reading frame from lysine 192.
Molecular consequence: frameshift variant.
Genome position: GRCh38: chr15:84,839,851-84,839,852. GRCh37 (hg19): chr15:85,383,082-85,383,083.
Other names: short protein forms K192fs.
Identifiers: ClinVar variation 2042145 (VCV002042145.4), dbSNP rs2505704995.